The following is an entry in ClinVar:

ClinVar aggregate classification (germline): Uncertain significance (1 of 4 stars; one submission).

Conditions:
Wiedemann-Steiner syndrome (WDSTS). Also called: Growth deficiency and mental retardation with facial dysmorphism. Identifiers: Orphanet 319182, MedGen C1854630, MONDO:0011518, OMIM 605130.

Submission:

Laboratoire Génétique Moléculaire, CHRU TOURS
Classification: Uncertain significance for Wiedemann-Steiner syndrome. Last evaluated: 2023-06-19. Review status: criteria provided, single submitter. Criteria: ACMG Guidelines, 2015. Collection method: clinical testing. Allele origin: unknown.
Comment: PM2

NM_001197104.2(KMT2A):c.6161G>A (p.Cys2054Tyr)

Gene: KMT2A (lysine methyltransferase 2A; plus strand). Cytogenetic location: 11q23.3.
Variant type: single nucleotide variant.
Coding change: c.6161G>A on transcript NM_001197104.2 (MANE Select); coding-DNA position 6161, G replaced by A.
Protein change: p.Cys2054Tyr; replaces cysteine 2054 with tyrosine.
Molecular consequence: missense variant.
Genome position (GRCh38, 1-based): chr11:118,500,989, G>A. VCF-style: chr11-118500989-G-A. GRCh37 (hg19) VCF-style: chr11-118371704-G-A.
Other names: c.6251G>A, p.Cys2084Tyr (NM_001412597.1); c.6152G>A, p.Cys2051Tyr (NM_005933.4); short protein forms C2051Y, C2084Y, C2054Y.
Identifiers: ClinVar variation 4294363 (VCV004294363.1).